The following is an entry in ClinVar:

NM_000051.4(ATM):c.8327T>G (p.Ile2776Ser)

Genes: ATM (ATM serine/threonine kinase; plus strand), C11orf65 (chromosome 11 open reading frame 65; minus strand). Cytogenetic location: 11q22.3.
Variant type: single nucleotide variant.
Coding change: c.8327T>G on transcript NM_000051.4 (MANE Select); coding-DNA position 8327, T replaced by G.
Protein change: p.Ile2776Ser; replaces isoleucine 2776 with serine.
Molecular consequence: missense variant. On other transcripts: intron variant (2).
Genome position (GRCh38, 1-based): chr11:108,343,280, T>G. VCF-style: chr11-108343280-T-G. GRCh37 (hg19) VCF-style: chr11-108214007-T-G.
Other names: c.8327T>G, p.Ile2776Ser (NM_001351834.2); c.641-34209A>C (NM_001330368.2); c.695-7988A>C (NM_001351110.2); short protein forms I2776S.
Identifiers: ClinVar variation 1416992 (VCV001416992.46), dbSNP rs746475628, ClinGen allele CA382516411.

ClinVar aggregate classification (germline): Uncertain significance (1 of 4 stars; one submission).

Conditions:
Ataxia-telangiectasia syndrome (AT). Also called: Ataxia-telangiectasia; LOUIS-BAR SYNDROME; Ataxia-telangiectasia, complementation group D; AT, COMPLEMENTATION GROUP C; ATAXIA-TELANGIECTASIA, COMPLEMENTATION GROUP A; ATAXIA-TELANGIECTASIA, FRESNO VARIANT. Identifiers: Orphanet 100, MedGen C0004135, MONDO:0008840, OMIM 208900.

Submission:

Labcorp Genetics (formerly Invitae), Labcorp
Classification: Uncertain significance for Ataxia-telangiectasia syndrome. Last evaluated: 2020-12-31. Review status: criteria provided, single submitter. Criteria: Invitae Variant Classification Sherloc (09022015). Collection method: clinical testing. Allele origin: germline.
Comment: In summary, the available evidence is currently insufficient to determine the role of this variant in disease. Therefore, it has been classified as a Variant of Uncertain Significance. Algorithms developed to predict the effect of sequence changes on RNA splicing suggest that this variant may create or strengthen a splice site, but this prediction has not been confirmed by published transcriptional studies. Advanced modeling of protein sequence and biophysical properties (such as structural, functional, and spatial information, amino acid conservation, physicochemical variation, residue mobility, and thermodynamic stability) performed at Invitae indicates that this missense variant is expected to disrupt ATM protein function. This variant has not been reported in the literature in individuals with ATM-related conditions. This variant is not present in population databases (ExAC no frequency). This sequence change replaces isoleucine with serine at codon 2776 of the ATM protein (p.Ile2776Ser). The isoleucine residue is highly conserved and there is a large physicochemical difference between isoleucine and serine.